The following is an entry in ClinVar:

ClinVar aggregate classification (germline): Pathogenic (1 of 4 stars; one submission).

Conditions:
Marfan syndrome (MFS). Also called: MARFAN SYNDROME, TYPE I; Marfan syndrome type 1; Marfan's syndrome; Marfan syndrome, classic; FBN1-Related Marfan Syndrome. Identifiers: Orphanet 284963, Orphanet 558, MedGen C0024796, MONDO:0007947, OMIM 154700.
Familial thoracic aortic aneurysm and aortic dissection (TAAD). Also called: Thoracic aortic aneurysms and dissections. Identifiers: Orphanet 91387, MedGen C4707243, MONDO:0019625.

Submission:

Labcorp Genetics (formerly Invitae), Labcorp
Classification: Pathogenic for Marfan syndrome; Familial thoracic aortic aneurysm and aortic dissection. Last evaluated: 2023-03-31. Review status: criteria provided, single submitter. Criteria: Invitae Variant Classification Sherloc (09022015). Collection method: clinical testing. Allele origin: germline.
Comment: This sequence change creates a premature translational stop signal (p.Cys1367Metfs*32) in the FBN1 gene. It is expected to result in an absent or disrupted protein product. Loss-of-function variants in FBN1 are known to be pathogenic (PMID: 17657824, 19293843). This variant is not present in population databases (gnomAD no frequency). This premature translational stop signal has been observed in individual(s) with clinical features of Marfan syndrome (Invitae). For these reasons, this variant has been classified as Pathogenic.

Literature cited by the submitters: PubMed 17657824; PubMed 19293843.

NM_000138.5(FBN1):c.4098dup (p.Cys1367fs)

Gene: FBN1 (fibrillin 1; minus strand). Cytogenetic location: 15q21.1.
Variant type: Duplication.
Coding change: c.4098dup on transcript NM_000138.5 (MANE Select); coding-DNA position 4098, one base duplicated (A; older notation c.4098dupA).
Protein change: p.Cys1367fs; shifts the reading frame from cysteine 1367.
Molecular consequence: frameshift variant.
Genome position (GRCh38, 1-based): chr15:48,474,367, T duplicated on the plus strand (A on the coding strand, the reverse complement: FBN1 is on the minus strand); the first of 2 consecutive T bases (chr15:48,474,367-48,474,368); duplicating either gives the same sequence. VCF-style (leftmost placement, unchanged base first): chr15-48474366-A-AT. GRCh37 (hg19) VCF-style: chr15-48766563-A-AT.
Other names: c.4098dup, p.Cys1367fs (NM_001406716.1); short protein forms C1367fs.
Identifiers: ClinVar variation 2946018 (VCV002946018.3), dbSNP rs2505517949, ClinGen allele CA2740096596.